The following is an entry in ClinVar:

ClinVar aggregate classification (germline): Uncertain significance. Review status: criteria provided, multiple submitters, no conflicts (2 of 4 stars). 2 submissions from 2 submitters: Uncertain significance (2). Last evaluated 2024-11-20.

Conditions:
Norman-Roberts syndrome (LIS2). Also called: Lissencephaly 2 (Norman-Roberts type). Identifiers: Orphanet 89844, MedGen C0796089, MONDO:0009760, OMIM 257320.

Submissions (2):

Revvity Omics, Revvity
Classification: Uncertain significance for Norman-Roberts syndrome. Last evaluated: 2024-11-20. Review status: criteria provided, single submitter. Criteria: ACMG Guidelines, 2015. Collection method: clinical testing. Allele origin: germline.

GeneDx
Classification: Uncertain significance. Last evaluated: 2017-08-15. Review status: criteria provided, single submitter. Criteria: GeneDx Variant Classification (06012015). Collection method: clinical testing. Allele origin: germline. Affected: yes.
Comment: The c.928_930delATC variant has not been published as a pathogenic variant, nor has it been reported as a benign variant to our knowledge. The c.928_930delATC variant is not observed in large population cohorts (Lek et al., 2016; 1000 Genomes Consortium et al., 2015; Exome Variant Server). The c.928_930delATC variant results in an in-frame deletion of a single Isoleucine residue, denoted p.Ile310del. This substitution occurs at a position where amino acids with similar properties to Isoleucine are tolerated across species. In silico analysis predicts this variant is probably damaging to the protein structure/function. However, other in-frame deletions have not been reported in the Human Gene Mutation Database in association with RELN-related disorders (Stenson et al., 2014). Therefore, based on the currently available information, it is unclear whether this variant is a pathogenic variant or a rare benign variant.

NM_005045.4(RELN):c.925ATC[1] (p.Ile310del)

Gene: RELN (reelin; minus strand). Cytogenetic location: 7q22.1.
Variant type: Microsatellite.
Coding change: c.925ATC[1] on transcript NM_005045.4 (MANE Select); one copy of the 3-base unit ATC starting at c.925; the reference has two copies in a row; one copy, 3 bases deleted; also written c.928_930del.
Protein change: p.Ile310del; deletes isoleucine 310.
Molecular consequence: inframe deletion.
Genome position (GRCh38, 1-based): chr7:103,698,066-103,698,068, GAT deleted on the plus strand (ATC on the coding strand, the reverse complement: RELN is on the minus strand); deleting any 3 consecutive bases within chr7:103,698,066-103,698,071 gives the same sequence; the position shown is the placement nearest the transcript's 3' end. VCF-style (leftmost placement, unchanged base first): chr7-103698065-GGAT-G. GRCh37 (hg19) VCF-style: chr7-103338512-GGAT-G.
Other names: c.925ATC[1], p.Ile310del (NM_173054.3); c.928_930del (NM_005045.4); short protein forms I310del.
Identifiers: ClinVar variation 451319 (VCV000451319.5), dbSNP rs1554404031, ClinGen allele CA658657703.